The following is an entry in ClinVar:

NM_004360.5(CDH1):c.-58GCCCG[3]

Genes: CDH1 (cadherin 1; plus strand), LOC130059290 (ATAC-STARR-seq lymphoblastoid silent region 7650; plus strand). Cytogenetic location: 16q22.1.
Variant type: Microsatellite.
Coding change: c.-58GCCCG[3] on transcript NM_004360.5 (MANE Select); three copies in a row of the 5-base unit GCCCG starting at c.-58; the reference has two copies in a row; one copy, 5 bases duplicated.
Molecular consequence: 5 prime UTR variant.
Genome position (GRCh38, 1-based): chr16:68,737,363-68,737,367, GCCCG duplicated; duplicating any 5 consecutive bases within chr16:68,737,358-68,737,367 gives the same sequence; the position shown is the placement nearest the transcript's 3' end. VCF-style (leftmost placement, unchanged base first): chr16-68737357-A-AGCCCG. GRCh37 (hg19) VCF-style: chr16-68771260-A-AGCCCG.
Other names: c.-58GCCCG[3] (NM_001317184.2); c.-1673GCCCG[3] (NM_001317185.2); c.-1877GCCCG[3] (NM_001317186.2).
Identifiers: ClinVar variation 419385 (VCV000419385.3), dbSNP rs1064793834, ClinGen allele CA16620223.
Genomic context (GRCh38, chr16:68,737,357, plus strand): 5'-CGTCGGAACTGCAAAGCACCTGTGAGCTTGCGGAAGTCAGTTCAGACTCCAGCCCGCTCC[A>AGCCCG]GCCCGGCCCGACCCGACCGCACCCGGCGCCTGCCCTCGCTCGGCGTCCCCGGCCAGCCAT-3'

ClinVar aggregate classification (germline): Uncertain significance. Review status: reviewed by expert panel (3 of 4 stars). 2 submissions from 2 submitters: Uncertain significance (1). 1 of the submissions does not count toward it. Last evaluated 2023-08-21.

Conditions:
CDH1-related diffuse gastric and lobular breast cancer syndrome. Also called: CDH1-related diffuse gastric and lobular breast cancer. Identifiers: MedGen CN311521, MONDO:0100488.

Submissions (2):

Clingen Gastric Cancer Variant Curation Expert Panel
Classification: Uncertain significance for CDH1-related diffuse gastric and lobular breast cancer syndrome. Last evaluated: 2023-08-21. Review status: reviewed by expert panel. Criteria: ClinGen CDH1 ACMG Specifications V3.1. Collection method: curation. Allele origin: germline. Inheritance: Autosomal dominant inheritance.
Comment: The c.-49_-48insGCCCG variant describes a 5bp insertion in the 5'UTR. The allele is absent from populations in gnomAD, ExAC, 1000 Genomes and ESP (PM2_Supporting); however, this variant occurs in a low complexity region of the reference genome hg19. To our knowledge, the c.-49_-48insGCCCG variant has not been reported in the literature. Single nucleotide variants at positions c.-51 and c.-49 have been observed at a low frequency in gnomAD, and the c.-49G>T variant has been reported to slightly increase promoter activity as assessed by luciferase reporter assay (PMID: 23431106). In summary, this variant is classified as a variant of uncertain significance based on insufficient ACMG/AMP criteria applied as specified by the CDH1 Variant Curation Expert Panel (Variant Interpretation Guidelines Version 3.1): PM2_Supporting.

GeneDx
Classification: Uncertain significance. Last evaluated: 2015-07-02. Review status: criteria provided, single submitter. Criteria: GeneDx Variant Classification (06012015). Collection method: clinical testing. Allele origin: germline. Affected: yes. Not counted in ClinVar's aggregate classification.
Comment: This variant is denoted CDH1 c.-53_-49dupGCCCG and describes a duplication of five nucleotides that is 53 base pairs upstream of the CDH1 ATG translational start site in the 5' untranslated region (UTR). The surrounding sequence, with the bases that are duplicated in braces, is CCCG[GCCCG]ACCC. This variant was not observed in approximately 3,300 individuals of European and African American ancestry in the NHLBI Exome Sequencing Project, suggesting it is not a common benign variant in these populations, and this region of the gene is not conserved across evolution. Additionally, this variant does not appear to affect the start codon or the Kozak translational consensus sequence. Although this variant has not, to our knowledge, been published in the literature, there are published variants in this region at c.-49 and c.-54 per HGMD (HGMD) (Stenson 2013). Luciferase reporter assays showed that c.-49G>T contributes to a slight increase in promoter activity, while c.-54G>C significantly decreases (p = 0.003) promoter activity (Nakamura 2002, Chen 2013). Therefore, based on the currently available information, we consider CDH1 c.-53_-49dupGCCCG to be a variant of uncertain significance.